The following is an entry in ClinVar:

ClinVar aggregate classification (germline): Uncertain significance (1 of 4 stars; one submission).

Submission:

Dasa
Classification: Uncertain significance. Last evaluated: 2025-02-20. Review status: criteria provided, single submitter. Criteria: DASA Assertion Criteria. Collection method: clinical testing. Allele origin: germline.
Comment: NM_000302.4(PLOD1):c.446A>G (p.Lys149Arg) is a missense variant that results in the substitution of lysine with arginine. This variant is absent from population databases. Computational prediction algorithms are consistent with a benign effect. The currently available literature and clinical evidence are not sufficient to establish a definitive association between this variant and the reported condition. Therefore, this variant is classified as a variant of uncertain significance.

NM_000302.4(PLOD1):c.446A>G (p.Lys149Arg)

Gene: PLOD1 (procollagen-lysine,2-oxoglutarate 5-dioxygenase 1; plus strand). Cytogenetic location: 1p36.22.
Variant type: single nucleotide variant.
Coding change: c.446A>G on transcript NM_000302.4 (MANE Select); coding-DNA position 446, A replaced by G.
Protein change: p.Lys149Arg; replaces lysine 149 with arginine.
Molecular consequence: missense variant.
Genome position (GRCh38, 1-based): chr1:11,950,500, A>G. VCF-style: chr1-11950500-A-G. GRCh37 (hg19) VCF-style: chr1-12010557-A-G.
Other names: c.587A>G, p.Lys196Arg (NM_001316320.2); short protein forms K149R, K196R.
Identifiers: ClinVar variation 4885176 (VCV004885176.2).